The following is an entry in ClinVar:

ClinVar aggregate classification (germline): Uncertain significance (1 of 4 stars; one submission).

Conditions:
Long QT syndrome (LQTS). Identifiers: MedGen C0023976, MeSH D008133, MONDO:0002442. Disease mechanism: loss of function. Inheritance: Various modes of inheritance.

Allele frequency attached by ClinVar (database versions not stated): gnomAD exomes below 0.00001; ExAC 0.00001.
gnomAD v4.1: 2 of 1,614,072 alleles (0.00012%); highest among the groups gnomAD compares: Non-Finnish European, 0.00017%; no homozygotes.

Submission:

Labcorp Genetics (formerly Invitae), Labcorp
Classification: Uncertain significance for Long QT syndrome. Last evaluated: 2020-06-04. Review status: criteria provided, single submitter. Criteria: Invitae Variant Classification Sherloc (09022015). Collection method: clinical testing. Allele origin: germline.
Comment: In summary, the available evidence is currently insufficient to determine the role of this variant in disease. Therefore, it has been classified as a Variant of Uncertain Significance. Algorithms developed to predict the effect of missense changes on protein structure and function (SIFT, PolyPhen-2, Align-GVGD) all suggest that this variant is likely to be tolerated, but these predictions have not been confirmed by published functional studies and their clinical significance is uncertain. This variant has not been reported in the literature in individuals with AKAP9-related conditions. This variant is present in population databases (rs777080528, ExAC 0.001%). This sequence change replaces histidine with arginine at codon 1366 of the AKAP9 protein (p.His1366Arg). The histidine residue is weakly conserved and there is a small physicochemical difference between histidine and arginine.

NM_005751.5(AKAP9):c.4097A>G (p.His1366Arg)

Gene: AKAP9 (A-kinase anchoring protein 9; plus strand). Cytogenetic location: 7q21.2.
Variant type: single nucleotide variant.
Coding change: c.4097A>G on transcript NM_005751.5 (MANE Select); coding-DNA position 4097, A replaced by G.
Protein change: p.His1366Arg; replaces histidine 1366 with arginine.
Molecular consequence: missense variant.
Genome position (GRCh38, 1-based): chr7:92,022,958, A>G. VCF-style: chr7-92022958-A-G. GRCh37 (hg19) VCF-style: chr7-91652272-A-G.
Other names: c.4097A>G, p.His1366Arg (NM_147185.3); short protein forms H1366R.
Identifiers: ClinVar variation 1008043 (VCV001008043.8), dbSNP rs777080528, ClinGen allele CA4336479.